The following is an entry in ClinVar:

ClinVar aggregate classification (germline): Likely benign. Review status: criteria provided, multiple submitters, no conflicts (2 of 4 stars). 2 submissions from 2 submitters: Likely benign (2). Last evaluated 2026-06-18.

Conditions:
Retinoblastoma (RB1). Also called: RETINOBLASTOMA, SOMATIC. Identifiers: Orphanet 790, MedGen C0035335, MeSH D012175, MONDO:0008380, OMIM 180200, HP:0009919. Disease mechanism: loss of function. Inheritance: Both sporadic and heritable forms are tested..

Allele frequency attached by ClinVar (database versions not stated): TOPMed below 0.00001.
gnomAD v4.1: 1 of 1,443,908 alleles (0.000069%); no homozygotes.

Submissions (2):

Myriad Genetics, Inc.
Classification: Likely benign for Retinoblastoma. Last evaluated: 2026-06-18. Review status: criteria provided, single submitter. Criteria: Myriad Autosomal Dominant, Autosomal Recessive and X-Linked Classification Criteria (2023). Collection method: clinical testing. Allele origin: unknown.
Comment: This variant is considered likely benign. This variant is intronic and is not expected to impact mRNA splicing.

Labcorp Genetics (formerly Invitae), Labcorp
Classification: Likely benign for Retinoblastoma. Last evaluated: 2026-01-20. Review status: criteria provided, single submitter. Criteria: Invitae Variant Classification Sherloc (09022015). Collection method: clinical testing. Allele origin: germline.

NM_000321.3(RB1):c.265-15A>G

Gene: RB1 (RB transcriptional corepressor 1; plus strand). Cytogenetic location: 13q14.2.
Variant type: single nucleotide variant.
Coding change: c.265-15A>G on transcript NM_000321.3 (MANE Select); 15 bases into the intron before coding-DNA position 265, A replaced by G.
Molecular consequence: intron variant.
Genome position (GRCh38, 1-based): chr13:48,342,584, A>G. VCF-style: chr13-48342584-A-G. GRCh37 (hg19) VCF-style: chr13-48916720-A-G.
Identifiers: ClinVar variation 2085911 (VCV002085911.5), dbSNP rs1394858507, ClinGen allele CA609870322.